The following is an entry in ClinVar:

ClinVar aggregate classification (germline): Uncertain significance (1 of 4 stars; one submission).

Conditions:
Neuroblastoma, susceptibility to, 3. Also called: ALK-Related Neuroblastic Tumor Susceptibility. Identifiers: Orphanet 635, MedGen C2751681, MONDO:0013083, OMIM 613014.

Submission:

Labcorp Genetics (formerly Invitae), Labcorp
Classification: Uncertain significance for Neuroblastoma, susceptibility to, 3. Last evaluated: 2025-02-25. Review status: criteria provided, single submitter. Criteria: Invitae Variant Classification Sherloc (09022015). Collection method: clinical testing. Allele origin: germline.
Comment: This sequence change creates a premature translational stop signal (p.Lys313Argfs*22) in the ALK gene. It is expected to result in an absent or disrupted protein product. However, the current clinical and genetic evidence is not sufficient to establish whether loss-of-function variants in ALK cause disease. This variant is not present in population databases (gnomAD no frequency). This variant has not been reported in the literature in individuals affected with ALK-related conditions. In summary, the available evidence is currently insufficient to determine the role of this variant in disease. Therefore, it has been classified as a Variant of Uncertain Significance.

NM_004304.5(ALK):c.938del (p.Lys313fs)

Gene: ALK (ALK receptor tyrosine kinase; minus strand). Cytogenetic location: 2p23.2.
Variant type: Deletion.
Coding change: c.938del on transcript NM_004304.5 (MANE Select); coding-DNA position 938, one base deleted (A; older notation c.938delA).
Protein change: p.Lys313fs; shifts the reading frame from lysine 313.
Molecular consequence: frameshift variant.
Genome position (GRCh38, 1-based): chr2:29,694,864, T deleted on the plus strand (A on the coding strand, the reverse complement: ALK is on the minus strand); the first of 2 consecutive T bases (chr2:29,694,864-29,694,865); deleting either gives the same sequence. VCF-style (leftmost placement, unchanged base first): chr2-29694863-CT-C. GRCh37 (hg19) VCF-style: chr2-29917729-CT-C.
Other names: short protein forms K313fs.
Identifiers: ClinVar variation 4713772 (VCV004713772.1).